The following is an entry in ClinVar:

ClinVar aggregate classification (germline): Uncertain significance (1 of 4 stars; one submission).

Conditions:
Ichthyosis vulgaris. Also called: ICHTHYOSIS SIMPLEX; Dominant ichthyosis vulgaris. Identifiers: MedGen C0079584, MONDO:0024304, OMIM 146700.
Dermatitis, atopic, 2. Identifiers: MedGen C1853965, MONDO:0011596, OMIM 605803.

Submission:

Juno Genomics, Hangzhou Juno Genomics, Inc
Classification: Uncertain significance for Dermatitis, atopic, 2; Ichthyosis vulgaris. Review status: criteria provided, single submitter. Criteria: ACMG Guidelines, 2015. Collection method: clinical testing. Allele origin: germline.
Comment: Absent from controls (or at extremely low frequency if recessive) in Genome Aggregation Database.;Null variant in a gene where loss of function (LOF) is a known mechanism of disease.

NM_002016.2(FLG):c.3118_3124del (p.Ser1040fs)

Genes: CCDST (cervical cancer associated DHX9 suppressive transcript; plus strand), FLG (filaggrin; minus strand). Cytogenetic location: 1q21.3.
Variant type: Deletion.
Coding change: c.3118_3124del on transcript NM_002016.2 (MANE Select); coding-DNA positions 3118 to 3124, 7 bases deleted (TCAGCAG; older notation c.3118_3124delTCAGCAG).
Protein change: p.Ser1040fs; shifts the reading frame from serine 1040.
Molecular consequence: frameshift variant.
Genome position (GRCh38, 1-based): chr1:152,311,762-152,311,768, CTGCTGA deleted on the plus strand (TCAGCAG on the coding strand, the reverse complement: FLG is on the minus strand); deleting any 7 consecutive bases within chr1:152,311,762-152,311,774 gives the same sequence; the c. name uses the placement nearest the transcript's 3' end. VCF-style (leftmost placement, unchanged base first): chr1-152311761-TCTGCTGA-T. GRCh37 (hg19) VCF-style: chr1-152284237-TCTGCTGA-T.
Other names: short protein forms S1040fs.
Identifiers: ClinVar variation 5019532 (VCV005019532.2).
Genomic context (GRCh38, chr1:152,311,761, plus strand): 5'-CCACTGTCTCTGACTGCAGATGAAGCTTGTCTGCGCGGAATGCCTGAGTGTCTGGAGCTG[TCTGCTGA>T]CTGCTGGTGGCGGGATCCGTGTCTTTCTCCTGGACTTGATCTTGCCTGTTCATGGGATGA-3'